The following is an entry in ClinVar:

NM_000059.4(BRCA2):c.1483G>C (p.Ala495Pro)

Gene: BRCA2 (BRCA2 DNA repair associated; plus strand). Cytogenetic location: 13q13.1.
Variant type: single nucleotide variant.
Coding change: c.1483G>C on transcript NM_000059.4 (MANE Select); coding-DNA position 1483, G replaced by C.
Protein change: p.Ala495Pro; replaces alanine 495 with proline.
Molecular consequence: missense variant.
Genome position (GRCh38, 1-based): chr13:32,332,961, G>C. VCF-style: chr13-32332961-G-C. GRCh37 (hg19) VCF-style: chr13-32907098-G-C.
Other names: short protein forms A495P.
Identifiers: ClinVar variation 51132 (VCV000051132.24), dbSNP rs80358437, ClinGen allele CA012202.
Genomic context (GRCh38, chr13:32,332,961, plus strand): 5'-GAATCTCATACAGACTGCATTCTTGCAGTAAAGCAGGCAATATCTGGAACTTCTCCAGTG[G>C]CTTCTTCATTTCAGGGTATCAAAAAGTCTATATTCAGAATAAGAGAATCACCTAAAGAGA-3'
Protein context (NP_000050.3, residues 485-505): KQAISGTSPV[Ala495Pro]SSFQGIKKSI

ClinVar aggregate classification (germline): Conflicting classifications of pathogenicity. Review status: criteria provided, conflicting classifications (1 of 4 stars). 8 submissions from 8 submitters: Uncertain significance (5); Likely benign (2). 1 of the submissions does not count toward it. Last evaluated 2025-12-17.

Conditions:
Hereditary breast ovarian cancer syndrome. Also called: Hereditary breast and ovarian cancer syndrome; Hereditary breast and ovarian cancer; Hereditary breast and ovarian cancer syndrome (HBOC); Breast and ovarian cancer; Hereditary breast and/or ovarian cancer syndrome; BRCA1- and BRCA2-Associated Hereditary Breast and Ovarian Cancer. Identifiers: Orphanet 145, MedGen C0677776, MeSH D061325, MONDO:0003582. Disease mechanism: loss of function.
Breast-ovarian cancer, familial, susceptibility to, 2 (BROVCA2). Also called: BRCA2 Hereditary Breast and Ovarian Cancer. Identifiers: Orphanet 145, MedGen C2675520, MONDO:0012933, OMIM 612555. Disease mechanism: loss of function.
Hereditary cancer-predisposing syndrome. Also called: Neoplastic Syndromes, Hereditary; Tumor predisposition; Hereditary Cancer Syndrome; Hereditary neoplastic syndrome. Identifiers: Orphanet 140162, MedGen C0027672, MeSH D009386, MONDO:0015356.

Allele frequency attached by ClinVar (database versions not stated): ExAC 0.00001.

Submissions (8):

Women's Health and Genetics/Laboratory Corporation of America, LabCorp
Classification: Uncertain significance. Last evaluated: 2025-12-17. Review status: criteria provided, single submitter. Criteria: LabCorp Variant Classification Summary - May 2015. Collection method: clinical testing. Allele origin: germline.
Comment: Variant summary: BRCA2 c.1483G>C (p.Ala495Pro) results in a non-conservative amino acid change in the encoded protein sequence. Algorithms developed to predict the effect of missense changes on protein structure and function are either unavailable or do not agree on the potential impact of this missense change. The variant was absent in 235180 control chromosomes. The available data on variant occurrences in the general population are insufficient to allow any conclusion about variant significance. c.1483G>C has been observed in individual(s) affected with Hereditary Breast And Ovarian Cancer Syndrome (Lu_2015). These report(s) do not provide unequivocal conclusions about association of the variant with Hereditary Breast And Ovarian Cancer Syndrome. Co-occurrences with other pathogenic variant(s) have been reported (BRCA2 c.4409_4410delTA, p.I1470fsX11). At least one publication reports experimental evidence evaluating an impact on protein function (Mondal_2012), however, does not allow convincing conclusions about the variant effect. The following publications have been ascertained in the context of this evaluation (PMID: 22771033, 26689913). ClinVar contains an entry for this variant (Variation ID: 51132). Based on the evidence outlined above, the variant was classified as uncertain significance.

Ambry Genetics
Classification: Likely benign for Hereditary cancer-predisposing syndrome. Last evaluated: 2025-07-16. Review status: criteria provided, single submitter. Criteria: Ambry Variant Classification Scheme 2023. Collection method: clinical testing. Allele origin: germline.

Quest Diagnostics Nichols Institute San Juan Capistrano
Classification: Uncertain significance. Last evaluated: 2025-06-02. Review status: criteria provided, single submitter. Criteria: Quest Diagnostics criteria. Collection method: clinical testing. Allele origin: unknown.
Comment: The BRCA2 c.1483G>C (p.Ala495Pro) variant has been reported in the published literature in an individual with breast cancer (PMID: 26689913 (2015)), and described to be located in a region of the BRCA2 gene that is tolerant to missense sequence changes (PMID: 31911673 (2020)). Assessment of experimental evidence regarding the effect of this variant on protein function is inconclusive (PMID: 22771033 (2012)). This variant has not been reported in large, multi-ethnic general populations (Genome Aggregation Database). Analysis of this variant using bioinformatics tools for the prediction of the effect of amino acid changes on protein structure and function yielded predictions that this variant is benign. Based on the available information, we are unable to determine the clinical significance of this variant.

Labcorp Genetics (formerly Invitae), Labcorp
Classification: Uncertain significance for Hereditary breast ovarian cancer syndrome. Last evaluated: 2025-02-18. Review status: criteria provided, single submitter. Criteria: Invitae Variant Classification Sherloc (09022015). Collection method: clinical testing. Allele origin: germline.
Comment: This sequence change replaces alanine, which is neutral and non-polar, with proline, which is neutral and non-polar, at codon 495 of the BRCA2 protein (p.Ala495Pro). This variant is present in population databases (rs80358437, gnomAD 0.0009%). This missense change has been observed in individual(s) with breast cancer (PMID: 10923033, 26689913; internal data). ClinVar contains an entry for this variant (Variation ID: 51132). Invitae Evidence Modeling of protein sequence and biophysical properties (such as structural, functional, and spatial information, amino acid conservation, physicochemical variation, residue mobility, and thermodynamic stability) indicates that this missense variant is not expected to disrupt BRCA2 protein function with a negative predictive value of 95%. In summary, the available evidence is currently insufficient to determine the role of this variant in disease. Therefore, it has been classified as a Variant of Uncertain Significance.

University of Washington Department of Laboratory Medicine, University of Washington
Classification: Likely benign for Hereditary cancer-predisposing syndrome. Last evaluated: 2023-03-23. Review status: criteria provided, single submitter. Criteria: Dines et al. (Genet Med. 2020). Collection method: curation. Allele origin: germline.
Comment: Missense variant in a coldspot region where missense variants are very unlikely to be pathogenic (PMID:31911673).

BRCA2 exon 10 coldspot. Reclassification based on statistical prior probability.

GeneDx
Classification: Uncertain significance. Last evaluated: 2022-02-18. Review status: criteria provided, single submitter. Criteria: GeneDx Variant Classification Process June 2021. Collection method: clinical testing. Allele origin: germline. Affected: yes.
Comment: Not observed at significant frequency in large population cohorts (gnomAD); In silico analysis supports that this missense variant does not alter protein structure/function; Observed in an individual with breast cancer (Lu 2015); Also known as 1711G>C; This variant is associated with the following publications: (PMID: 26689913)

Color Diagnostics, LLC DBA Color Health
Classification: Uncertain significance for Hereditary cancer-predisposing syndrome. Last evaluated: 2019-05-30. Review status: criteria provided, single submitter. Criteria: ACMG Guidelines, 2015. Collection method: clinical testing. Allele origin: germline.

Breast Cancer Information Core (BIC) (BRCA2)
Classification: Uncertain significance for Breast-ovarian cancer, familial 2. Review status: no assertion criteria provided. Collection method: clinical testing. Allele origin: germline. Affected: yes. Observed: 1 variant allele. Not counted in ClinVar's aggregate classification.

Literature cited by the submitters: PubMed 22771033 (cited by Women's Health and Genetics/Laboratory Corporation of America, LabCorp and Quest Diagnostics Nichols Institute San Juan Capistrano); PubMed 26689913 (cited by 3 submitters); PubMed 31911673 (cited by Quest Diagnostics Nichols Institute San Juan Capistrano); PubMed 10923033 (cited by Labcorp Genetics (formerly Invitae), Labcorp).